The following is an entry in ClinVar:

ClinVar aggregate classification (germline): Uncertain significance (1 of 4 stars; one submission).

Conditions:
Hereditary cancer-predisposing syndrome. Also called: Neoplastic Syndromes, Hereditary; Tumor predisposition; Hereditary Cancer Syndrome; Hereditary neoplastic syndrome. Identifiers: Orphanet 140162, MedGen C0027672, MeSH D009386, MONDO:0015356.

Allele frequency attached by ClinVar (database versions not stated): gnomAD exomes below 0.00001; ExAC 0.00001.
gnomAD v4.1: 1 of 1,614,230 alleles (0.000062%); highest among the groups gnomAD compares: Non-Finnish European, 0.000085%; no homozygotes.

Submission:

Ambry Genetics
Classification: Uncertain significance for Hereditary cancer-predisposing syndrome. Last evaluated: 2016-07-08. Review status: criteria provided, single submitter. Criteria: Ambry Variant Classification Scheme 2023. Collection method: clinical testing. Allele origin: germline.
Comment: The p.T809S variant (also known as c.2425A>T), located in coding exon 5 of the PALB2 gene, results from an A to T substitution at nucleotide position 2425. The threonine at codon 809 is replaced by serine, an amino acid with similar properties. This variant was not reported in population based cohorts in the following databases: Database of Single Nucleotide Polymorphisms (dbSNP), NHLBI Exome Sequencing Project (ESP), and 1000 Genomes Project. In the ESP, this variant was not observed in 6497 samples (12994 alleles) with coverage at this position. To date, this alteration has been detected with an allele frequency of approximately 0.0004% (greater than 225000 alleles tested) in our clinical cohort. This amino acid position is well conserved in available vertebrate species. In addition, this alteration is predicted to be tolerated by in silico analysis. Since supporting evidence is limited at this time, the clinical significance of this alteration remains unclear.

NM_024675.4(PALB2):c.2425A>T (p.Thr809Ser)

Gene: PALB2 (partner and localizer of BRCA2; minus strand). Cytogenetic location: 16p12.2.
Variant type: single nucleotide variant.
Coding change: c.2425A>T on transcript NM_024675.4 (MANE Select); coding-DNA position 2425, A replaced by T.
Protein change: p.Thr809Ser; replaces threonine 809 with serine.
Molecular consequence: missense variant.
Genome position (GRCh38, 1-based): chr16:23,629,729, T>A on the plus strand (A>T on the coding strand, the complement: PALB2 is on the minus strand). VCF-style: chr16-23629729-T-A. GRCh37 (hg19) VCF-style: chr16-23641050-T-A.
Other names: short protein forms T809S.
Identifiers: ClinVar variation 484191 (VCV000484191.5), dbSNP rs753204710, ClinGen allele CA7963578.